The following is an entry in ClinVar:

NM_080647.1(TBX1):c.-86-2A>G

Gene: TBX1 (T-box transcription factor 1; plus strand). Cytogenetic location: 22q11.21.
Variant type: single nucleotide variant.
Coding change: c.-86-2A>G on transcript NM_080647.1; the canonical splice acceptor site of the intron before 86 bases upstream of the start codon, A replaced by G.
Molecular consequence: splice acceptor variant.
Genome position (GRCh38, 1-based): chr22:19,759,556, A>G. VCF-style: chr22-19759556-A-G. GRCh37 (hg19) VCF-style: chr22-19747079-A-G.
Other names: c.-86-2A>G (NM_005992.1, NM_080646.2).
Identifiers: ClinVar variation 3361057 (VCV003361057.1).

ClinVar aggregate classification (germline): Uncertain significance (1 of 4 stars; one submission).

gnomAD v4.1: 4 of 1,573,120 alleles (0.00025%); highest among the groups gnomAD compares: South Asian, 0.0035%; no homozygotes.

Submission:

GeneDx
Classification: Uncertain significance. Last evaluated: 2023-07-19. Review status: criteria provided, single submitter. Criteria: GeneDx Variant Classification Process June 2021. Collection method: clinical testing. Allele origin: germline. Affected: yes.
Comment: Canonical splice site variant predicted to result in a null allele in a gene for which loss of function is a known mechanism of disease; Has not been previously published as pathogenic or benign to our knowledge; No data available from control populations to assess the frequency of this variant